The following is an entry in ClinVar:

NM_032588.4(TRIM63):c.68G>A (p.Cys23Tyr)

Gene: TRIM63 (tripartite motif containing 63; minus strand). Cytogenetic location: 1p36.11.
Variant type: single nucleotide variant.
Coding change: c.68G>A on transcript NM_032588.4 (MANE Select); coding-DNA position 68, G replaced by A.
Protein change: p.Cys23Tyr; replaces cysteine 23 with tyrosine.
Molecular consequence: missense variant.
Genome position (GRCh38, 1-based): chr1:26,067,427, C>T on the plus strand (G>A on the coding strand, the complement: TRIM63 is on the minus strand). VCF-style: chr1-26067427-C-T. GRCh37 (hg19) VCF-style: chr1-26393918-C-T.
Other names: c.68G>A (NM_032588.2); short protein forms C23Y.
Identifiers: ClinVar variation 3363120 (VCV003363120.3), dbSNP rs754874432.

ClinVar aggregate classification (germline): Conflicting classifications of pathogenicity. Review status: criteria provided, conflicting classifications (1 of 4 stars). 4 submissions from 4 submitters: Pathogenic (1); Uncertain significance (1). 2 of the submissions do not count toward it. Last evaluated 2026-07-09.

Conditions:
Hypertrophic cardiomyopathy. Also called: HYPERTROPHIC MYOCARDIOPATHY. Identifiers: Orphanet 217569, MedGen C0007194, MeSH D002312, MONDO:0005045, HP:0001639.
Inborn genetic diseases. Identifiers: MedGen C0950123, MeSH D030342.
Cardiovascular phenotype. Identifiers: MedGen CN230736.
Cardiomyopathy, familial hypertrophic, 31. Identifiers: MedGen C6012754, MONDO:0979573, OMIM 621270.

gnomAD v4.1: 44 of 1,614,188 alleles (0.0027%); highest among the groups gnomAD compares: Middle Eastern, 0.033%; no homozygotes.

Submissions (4):

Ambry Genetics
Classification: Pathogenic for Inborn genetic diseases. Last evaluated: 2026-07-09. Review status: criteria provided, single submitter. Criteria: Ambry Variant Classification Scheme 2023. Collection method: clinical testing. Allele origin: germline.
Comment: The c.68G>A (p.C23Y) alteration is located in exon 1 (coding exon 1) of the TRIM63 gene. This alteration results from a G to A substitution at nucleotide position 68, causing the cysteine (C) at amino acid position 23 to be replaced by a tyrosine (Y). Based on data from gnomAD, the A allele has an overall frequency of 0.003% (8/251384) total alleles studied. The highest observed frequency was 0.016% (1/6130) of Other alleles. This variant has been identified in the homozygous state and/or in conjunction with other TRIM63 variant(s) in individual(s) with features consistent with TRIM63-related hypertrophic cardiomyopathy (Salazar-Mendiguch&iacute;a, 2020). This amino acid position is highly conserved in available vertebrate species. This alteration is predicted to be deleterious by in silico analysis. Based on the available evidence, this alteration is classified as pathogenic.

Molecular Diagnostic Laboratory for Inherited Cardiovascular Disease, Montreal Heart Institute
Classification: Uncertain significance for Cardiovascular phenotype. Last evaluated: 2025-04-09. Review status: criteria provided, single submitter. Criteria: ACMG Guidelines, 2015. Collection method: clinical testing. Allele origin: germline. Affected: yes.
Comment: PM2, PS4_supp, PP1, PP3

OMIM
Classification: Pathogenic for CARDIOMYOPATHY, FAMILIAL HYPERTROPHIC, 31. Last evaluated: 2025-07-18. Review status: no assertion criteria provided. Collection method: literature only. Allele origin: germline. Not counted in ClinVar's aggregate classification.

Zaffran Lab, Genetics of Cardiac Diseases Laboratory, Marseille Medical Genetics
Classification: Uncertain significance for hypertrophic cardiomyopathy. Review status: no assertion criteria provided. Collection method: research. Allele origin: unknown. Affected: yes. Not counted in ClinVar's aggregate classification.

Literature cited by the submitters: PubMed 32451364 (cited by Ambry Genetics and OMIM).